The following is an entry in ClinVar:

ClinVar aggregate classification (germline): Pathogenic. Review status: criteria provided, multiple submitters, no conflicts (2 of 4 stars). 2 submissions from 2 submitters: Pathogenic (2). Last evaluated 2023-01-22.

Conditions:
Ectopic tissue. Also called: Heterotopia. Identifiers: MedGen C0008519.

Submissions (2):

Labcorp Genetics (formerly Invitae), Labcorp
Classification: Pathogenic. Last evaluated: 2023-01-22. Review status: criteria provided, single submitter. Criteria: Invitae Variant Classification Sherloc (09022015). Collection method: clinical testing. Allele origin: germline.
Comment: For these reasons, this variant has been classified as Pathogenic. ClinVar contains an entry for this variant (Variation ID: 158462). This variant has not been reported in the literature in individuals affected with DCX-related conditions. This variant is not present in population databases (gnomAD no frequency). This sequence change creates a premature translational stop signal (p.Glu137*) in the DCX gene. It is expected to result in an absent or disrupted protein product. Loss-of-function variants in DCX are known to be pathogenic (PMID: 11175293, 23365099).

Genetic Services Laboratory, University of Chicago
Classification: Pathogenic for Abnormality of neuronal migration. Last evaluated: 2013-02-08. Review status: criteria provided, single submitter. Criteria: ACMG Guidelines, 2007. Collection method: clinical testing. Allele origin: germline. Inheritance: Autosomal dominant inheritance. Affected: yes.

Literature cited by the submitters: PubMed 11175293 (cited by Labcorp Genetics (formerly Invitae), Labcorp); PubMed 23365099 (cited by Labcorp Genetics (formerly Invitae), Labcorp).

NM_001195553.2(DCX):c.409G>T (p.Glu137Ter)

Gene: DCX (doublecortin; minus strand). Cytogenetic location: Xq23.
Variant type: single nucleotide variant.
Coding change: c.409G>T on transcript NM_001195553.2 (MANE Select); coding-DNA position 409, G replaced by T.
Protein change: p.Glu137Ter; replaces glutamic acid 137 with a stop codon.
Molecular consequence: nonsense.
Genome position (GRCh38, 1-based): chrX:111,401,286, C>A on the plus strand (G>T on the coding strand, the complement: DCX is on the minus strand). VCF-style: chrX-111401286-C-A. GRCh37 (hg19) VCF-style: chrX-110644514-C-A.
Other names: c.652G>T, p.Glu218Ter (NM_000555.3); c.409G>T, p.Glu137Ter (NM_001369370.1, NM_001369371.1, NM_001369372.1 and 5 more transcripts); short protein forms E137*, E218*.
Identifiers: ClinVar variation 158462 (VCV000158462.9), dbSNP rs587783550, ClinGen allele CA171954.